The following is an entry in ClinVar:

ClinVar aggregate classification (germline): Uncertain significance (1 of 4 stars; one submission).

gnomAD v4.1: 14 of 1,612,354 alleles (0.00087%); highest among the groups gnomAD compares: Middle Eastern, 0.2%; no homozygotes.

Submission:

CeGaT Center for Human Genetics Tuebingen
Classification: Uncertain significance. Last evaluated: 2026-04-01. Review status: criteria provided, single submitter. Criteria: CeGaT Center For Human Genetics Tuebingen Variant Classification Criteria Version 2. Collection method: clinical testing. Allele origin: germline. Affected: yes. Observed: 1 variant allele.
Comment: TTN: PM2, BP4

NM_001267550.2(TTN):c.11311+4249G>A

Gene: TTN (titin; minus strand). Cytogenetic location: 2q31.2.
Variant type: single nucleotide variant.
Coding change: c.11311+4249G>A on transcript NM_001267550.2 (MANE Select); 4249 bases into the intron after coding-DNA position 11311, G replaced by A.
Molecular consequence: intron variant. On other transcripts: missense variant (1).
Genome position (GRCh38, 1-based): chr2:178,748,875, C>T on the plus strand (G>A on the coding strand, the complement: TTN is on the minus strand). VCF-style: chr2-178748875-C-T. GRCh37 (hg19) VCF-style: chr2-179613602-C-T.
Other names: c.13525G>A, p.Ala4509Thr (NM_133379.5); c.10222+4249G>A (NM_003319.4); c.10798+4249G>A (NM_133437.4); c.10597+4249G>A (NM_133432.3); c.10360+4249G>A (NM_133378.4, NM_001256850.1); short protein forms A4509T.
Identifiers: ClinVar variation 4872135 (VCV004872135.2).